The following is an entry in ClinVar:

ClinVar aggregate classification (germline): Likely pathogenic (1 of 4 stars; one submission).

Conditions:
Alstrom syndrome (ALMS). Identifiers: Orphanet 64, MedGen C0268425, MONDO:0008763, OMIM 203800.

Submission:

Natera, Inc.
Classification: Likely pathogenic for Alstrom syndrome. Last evaluated: 2024-10-09. Review status: criteria provided, single submitter. Criteria: Natera Variant Classification Schema (03/2026). Collection method: clinical testing. Allele origin: germline.
Comment: The c.593_622delinsAGATAGATCTCT variant in ALMS1 is a deletion-insertion (delins) variant predicted to replace one or more nucleotides with a different sequence. This variant is expected to result in nonsense mediated decay, truncation, or a dysfunctional protein product. This variant is rare in the general population with a frequency below the threshold expected for the associated phenotype(s). Given the available evidence, this variant is classified as Likely Pathogenic.

NM_001378454.1(ALMS1):c.591_619delinsGATAGATCTCT (p.Ser198_Arg207delinsIleAspLeuTer)

Gene: ALMS1 (ALMS1 centrosome and basal body associated protein; plus strand). Cytogenetic location: 2p13.1.
Variant type: Indel.
Coding change: c.591_619delinsGATAGATCTCT on transcript NM_001378454.1 (MANE Select); coding-DNA positions 591 to 619, ATCAGAAAATCAAGTAAAGGAACCCAACA replaced by GATAGATCTCT.
Protein change: p.Ser198_Arg207delinsIleAspLeuTer.
Molecular consequence: nonsense.
Genome position (GRCh38, 1-based): chr2:73,419,263-73,419,291, ATCAGAAAATCAAGTAAAGGAACCCAACA replaced by GATAGATCTCT. GRCh37 (hg19): chr2:73,646,391-73,646,419.
Other names: c.593_622delinsAGATAGATCTCT (NM_015120.4); c.594_622delinsGATAGATCTCT, p.Ser199_Arg208delinsIleAspLeuTer (NM_015120.4).
Identifiers: ClinVar variation 4815795 (VCV004815795.1).